The following is an entry in ClinVar:

ClinVar aggregate classification (germline): Uncertain significance (1 of 4 stars; one submission).

Conditions:
Epilepsy, familial adult myoclonic, 5 (EPEO5). Also called: CORTICAL MYOCLONIC TREMOR WITH EPILEPSY, FAMILIAL, 5. Identifiers: Orphanet 86814, MedGen C3809374, MONDO:0014167, OMIM 615400.

Allele frequency attached by ClinVar (database versions not stated): gnomAD exomes below 0.00001 and 0.00001; TOPMed 0.00001; ExAC 0.00002; gnomAD 0.00005 and 0.00006; ESP Exome Variant Server 0.00008.
gnomAD v4.1: 15 of 1,613,994 alleles (0.00093%); highest among the groups gnomAD compares: African/African-American, 0.019%; no homozygotes.

Submission:

Labcorp Genetics (formerly Invitae), Labcorp
Classification: Uncertain significance for Epilepsy, familial adult myoclonic, 5. Last evaluated: 2025-07-21. Review status: criteria provided, single submitter. Criteria: Invitae Variant Classification Sherloc (09022015). Collection method: clinical testing. Allele origin: germline.
Comment: This sequence change replaces threonine, which is neutral and polar, with isoleucine, which is neutral and non-polar, at codon 466 of the CNTN2 protein (p.Thr466Ile). This variant is present in population databases (rs145344980, gnomAD 0.02%). This variant has not been reported in the literature in individuals affected with CNTN2-related conditions. ClinVar contains an entry for this variant (Variation ID: 1435360). Invitae Evidence Modeling of protein sequence and biophysical properties (such as structural, functional, and spatial information, amino acid conservation, physicochemical variation, residue mobility, and thermodynamic stability) indicates that this missense variant is not expected to disrupt CNTN2 protein function with a negative predictive value of 95%. In summary, the available evidence is currently insufficient to determine the role of this variant in disease. Therefore, it has been classified as a Variant of Uncertain Significance.

NM_005076.5(CNTN2):c.1397C>T (p.Thr466Ile)

Gene: CNTN2 (contactin 2; plus strand). Cytogenetic location: 1q32.1.
Variant type: single nucleotide variant.
Coding change: c.1397C>T on transcript NM_005076.5 (MANE Select); coding-DNA position 1397, C replaced by T.
Protein change: p.Thr466Ile; replaces threonine 466 with isoleucine.
Molecular consequence: missense variant. On other transcripts: non-coding transcript variant (1).
Genome position (GRCh38, 1-based): chr1:205,064,628, C>T. VCF-style: chr1-205064628-C-T. GRCh37 (hg19) VCF-style: chr1-205033756-C-T.
Other names: c.1397C>T, p.Thr466Ile (NM_001346083.2); short protein forms T466I.
Identifiers: ClinVar variation 1435360 (VCV001435360.7), dbSNP rs145344980, ClinGen allele CA1351377.